The following is an entry in ClinVar:

ClinVar aggregate classification (germline): Pathogenic. Review status: criteria provided, multiple submitters, no conflicts (2 of 4 stars). 2 submissions from 2 submitters: Pathogenic (2). Last evaluated 2024-02-24.

Conditions:
Neutral lipid storage myopathy (NLSDM). Also called: NEUTRAL LIPID STORAGE DISEASE WITHOUT ICHTHYOSIS. Identifiers: Orphanet 98908, MedGen C1853136, MONDO:0012545, OMIM 610717.

Submissions (2):

Labcorp Genetics (formerly Invitae), Labcorp
Classification: Pathogenic for Neutral lipid storage myopathy. Last evaluated: 2024-02-24. Review status: criteria provided, single submitter. Criteria: Invitae Variant Classification Sherloc (09022015). Collection method: clinical testing. Allele origin: germline.
Comment: This sequence change replaces arginine, which is basic and polar, with proline, which is neutral and non-polar, at codon 221 of the PNPLA2 protein (p.Arg221Pro). This variant is not present in population databases (gnomAD no frequency). This missense change has been observed in individuals with neutral lipid storage disease with myopathy (PMID: 22990388). It has also been observed to segregate with disease in related individuals. ClinVar contains an entry for this variant (Variation ID: 663841). Advanced modeling of protein sequence and biophysical properties (such as structural, functional, and spatial information, amino acid conservation, physicochemical variation, residue mobility, and thermodynamic stability) performed at Invitae indicates that this missense variant is expected to disrupt PNPLA2 protein function with a positive predictive value of 80%. Experimental studies have shown that this missense change affects PNPLA2 function (PMID: 22990388, 28391974). For these reasons, this variant has been classified as Pathogenic.

Revvity Omics, Revvity
Classification: Pathogenic for Neutral lipid storage myopathy. Last evaluated: 2019-12-06. Review status: criteria provided, single submitter. Criteria: ACMG Guidelines, 2015. Collection method: clinical testing. Allele origin: germline.

Literature cited by the submitters: PubMed 22990388 (cited by Labcorp Genetics (formerly Invitae), Labcorp); PubMed 28391974 (cited by Labcorp Genetics (formerly Invitae), Labcorp).

NM_020376.4(PNPLA2):c.662G>C (p.Arg221Pro)

Gene: PNPLA2 (patatin like domain 2, triacylglycerol lipase; plus strand). Cytogenetic location: 11p15.5.
Variant type: single nucleotide variant.
Coding change: c.662G>C on transcript NM_020376.4 (MANE Select); coding-DNA position 662, G replaced by C.
Protein change: p.Arg221Pro; replaces arginine 221 with proline.
Molecular consequence: missense variant.
Genome position (GRCh38, 1-based): chr11:822,572, G>C. VCF-style: chr11-822572-G-C. GRCh37 (hg19) VCF-style: chr11-822572-G-C.
Other names: short protein forms R221P.
Identifiers: ClinVar variation 663841 (VCV000663841.14), dbSNP rs554737718, ClinGen allele CA378980518.